The following is an entry in ClinVar:

ClinVar aggregate classification (germline): Uncertain significance (1 of 4 stars; one submission).

gnomAD v4.1: 1 of 1,600,624 alleles (0.000062%); highest among the groups gnomAD compares: Non-Finnish European, 0.000086%; no homozygotes.

Submission:

Labcorp Genetics (formerly Invitae), Labcorp
Classification: Uncertain significance. Last evaluated: 2025-10-01. Review status: criteria provided, single submitter. Criteria: Invitae Variant Classification Sherloc (09022015). Collection method: clinical testing. Allele origin: germline.
Comment: This sequence change falls in intron 25 of the COL11A1 gene. It does not directly change the encoded amino acid sequence of the COL11A1 protein. This variant is not present in population databases (gnomAD no frequency). This variant has not been reported in the literature in individuals affected with COL11A1-related conditions. Algorithms developed to predict the effect of sequence changes on RNA splicing suggest that this variant may disrupt the consensus splice site. In summary, the available evidence is currently insufficient to determine the role of this variant in disease. Therefore, it has been classified as a Variant of Uncertain Significance.

NM_001854.4(COL11A1):c.2197-16T>C

Gene: COL11A1 (collagen type XI alpha 1 chain; minus strand). Cytogenetic location: 1p21.1.
Variant type: single nucleotide variant.
Coding change: c.2197-16T>C on transcript NM_001854.4 (MANE Select); 16 bases into the intron before coding-DNA position 2197, T replaced by C.
Molecular consequence: intron variant.
Genome position (GRCh38, 1-based): chr1:102,997,140, A>G on the plus strand (T>C on the coding strand, the complement: COL11A1 is on the minus strand). VCF-style: chr1-102997140-A-G. GRCh37 (hg19) VCF-style: chr1-103462696-A-G.
Other names: c.2080-16T>C (NM_001190709.2); c.2233-16T>C (NM_080629.3); c.1849-16T>C (NM_080630.4).
Identifiers: ClinVar variation 4692260 (VCV004692260.1).